The following is an entry in ClinVar:

NM_005391.5(PDK3):c.86T>A (p.Ile29Asn)

Gene: PDK3 (pyruvate dehydrogenase kinase 3; plus strand). Cytogenetic location: Xp22.11.
Variant type: single nucleotide variant.
Coding change: c.86T>A on transcript NM_005391.5 (MANE Select); coding-DNA position 86, T replaced by A.
Protein change: p.Ile29Asn; replaces isoleucine 29 with asparagine.
Molecular consequence: missense variant.
Genome position (GRCh38, 1-based): chrX:24,465,541, T>A. VCF-style: chrX-24465541-T-A. GRCh37 (hg19) VCF-style: chrX-24483658-T-A.
Other names: c.86T>A, p.Ile29Asn (NM_001142386.3); short protein forms I29N.
Identifiers: ClinVar variation 2776518 (VCV002776518.3), dbSNP rs2518561613, ClinGen allele CA412603312.

ClinVar aggregate classification (germline): Uncertain significance (1 of 4 stars; one submission).

Conditions:
Charcot-Marie-Tooth disease X-linked dominant 6. Also called: CHARCOT-MARIE-TOOTH NEUROPATHY, X-LINKED DOMINANT, 6. Identifiers: Orphanet 352675, MedGen C3806702, MONDO:0010479, OMIM 300905.

Submission:

Labcorp Genetics (formerly Invitae), Labcorp
Classification: Uncertain significance for Charcot-Marie-Tooth disease X-linked dominant 6. Last evaluated: 2023-03-14. Review status: criteria provided, single submitter. Criteria: Invitae Variant Classification Sherloc (09022015). Collection method: clinical testing. Allele origin: germline.
Comment: In summary, the available evidence is currently insufficient to determine the role of this variant in disease. Therefore, it has been classified as a Variant of Uncertain Significance. This sequence change replaces isoleucine, which is neutral and non-polar, with asparagine, which is neutral and polar, at codon 29 of the PDK3 protein (p.Ile29Asn). This variant is not present in population databases (gnomAD no frequency). This variant has not been reported in the literature in individuals affected with PDK3-related conditions. Advanced modeling of protein sequence and biophysical properties (such as structural, functional, and spatial information, amino acid conservation, physicochemical variation, residue mobility, and thermodynamic stability) performed at Invitae indicates that this missense variant is expected to disrupt PDK3 protein function.